The following is an entry in ClinVar:

NM_001098816.3(TENM4):c.290G>A (p.Arg97Gln)

Gene: TENM4 (teneurin transmembrane protein 4; minus strand). Cytogenetic location: 11q14.1.
Variant type: single nucleotide variant.
Coding change: c.290G>A on transcript NM_001098816.3 (MANE Select); coding-DNA position 290, G replaced by A.
Protein change: p.Arg97Gln; replaces arginine 97 with glutamine.
Molecular consequence: missense variant.
Genome position (GRCh38, 1-based): chr11:79,064,941, C>T on the plus strand (G>A on the coding strand, the complement: TENM4 is on the minus strand). VCF-style: chr11-79064941-C-T. GRCh37 (hg19) VCF-style: chr11-78775986-C-T.
Other names: short protein forms R97Q.
Identifiers: ClinVar variation 3175938 (VCV003175938.2), dbSNP rs1056419910, ClinGen allele CA225155016.

ClinVar aggregate classification (germline): Uncertain significance. Review status: criteria provided, multiple submitters, no conflicts (2 of 4 stars). 2 submissions from 2 submitters: Uncertain significance (2). Last evaluated 2025-02-27.

Conditions:
TENM4-related disorder. Also called: TENM4-related condition.

gnomAD v4.1: 30 of 1,525,254 alleles (0.002%); highest among the groups gnomAD compares: Admixed American, 0.012%; no homozygotes.

Submissions (2):

PreventionGenetics, part of Exact Sciences
Classification: Uncertain significance for TENM4-related condition. Last evaluated: 2025-02-27. Review status: criteria provided, single submitter. Criteria: ACMG Guidelines, 2015. Collection method: clinical testing. Allele origin: germline.
Comment: The TENM4 c.290G>A variant is predicted to result in the amino acid substitution p.Arg97Gln. To our knowledge, this variant has not been reported in the literature. This variant is reported in 0.016% of alleles in individuals of East Asian descent in gnomAD. At this time, the clinical significance of this variant is uncertain due to the absence of conclusive functional and genetic evidence.

Ambry Genetics
Classification: Uncertain significance. Last evaluated: 2021-08-23. Review status: criteria provided, single submitter. Criteria: Ambry Variant Classification Scheme 2023. Collection method: clinical testing. Allele origin: germline.